The following is an entry in ClinVar:

NM_016306.6(DNAJB11):c.935A>G (p.Asn312Ser)

Gene: DNAJB11 (DnaJ heat shock protein family (Hsp40) member B11; plus strand). Cytogenetic location: 3q27.3.
Variant type: single nucleotide variant.
Coding change: c.935A>G on transcript NM_016306.6 (MANE Select); coding-DNA position 935, A replaced by G.
Protein change: p.Asn312Ser; replaces asparagine 312 with serine.
Molecular consequence: missense variant. On other transcripts: non-coding transcript variant (6).
Genome position (GRCh38, 1-based): chr3:186,584,512, A>G. VCF-style: chr3-186584512-A-G. GRCh37 (hg19) VCF-style: chr3-186302301-A-G.
Other names: c.659A>G, p.Asn220Ser (NM_001378451.1); short protein forms N220S, N312S.
Identifiers: ClinVar variation 2635423 (VCV002635423.1), dbSNP rs772358902, ClinGen allele CA2744618.

ClinVar aggregate classification (germline): Uncertain significance (1 of 4 stars; one submission).

Conditions:
DNAJB11-related disorder. Also called: DNAJB11-related condition.

Allele frequency attached by ClinVar (database versions not stated): ExAC 0.00001; gnomAD 0.00001.
gnomAD v4.1: 1 of 1,603,178 alleles (0.000062%); highest among the groups gnomAD compares: African/African-American, 0.0014%; no homozygotes.

Submission:

PreventionGenetics, part of Exact Sciences
Classification: Uncertain significance for DNAJB11-related condition. Last evaluated: 2022-12-08. Review status: criteria provided, single submitter. Criteria: ACMG Guidelines, 2015. Collection method: clinical testing. Allele origin: germline.
Comment: The DNAJB11 c.935A>G variant is predicted to result in the amino acid substitution p.Asn312Ser. To our knowledge, this variant has not been reported in the literature. This variant is reported in 0.011% of alleles in individuals of African descent in gnomAD. At this time, the clinical significance of this variant is uncertain due to the absence of conclusive functional and genetic evidence.